The following is an entry in ClinVar:

NM_000038.6(APC):c.194A>G (p.Gln65Arg)

Gene: APC (APC regulator of Wnt signaling pathway; plus strand). Cytogenetic location: 5q22.2.
Variant type: single nucleotide variant.
Coding change: c.194A>G on transcript NM_000038.6 (MANE Select); coding-DNA position 194, A replaced by G.
Protein change: p.Gln65Arg; replaces glutamine 65 with arginine.
Molecular consequence: missense variant. On other transcripts: 5 prime UTR variant (1).
Genome position (GRCh38, 1-based): chr5:112,766,384, A>G. VCF-style: chr5-112766384-A-G. GRCh37 (hg19) VCF-style: chr5-112102081-A-G.
Other names: c.194A>G, p.Gln65Arg (NM_001127510.3, NM_001354895.2, NM_001354896.2 and 2 more transcripts); c.224A>G, p.Gln75Arg (NM_001127511.3, NM_001354897.2, NM_001354902.2); c.119A>G, p.Gln40Arg (NM_001354898.2, NM_001354904.2); c.17A>G, p.Gln6Arg (NM_001354900.2, NM_001354901.2, NM_001354905.2); c.-842A>G (NM_001354906.2); c.194A>G (NM_000038.5); short protein forms Q40R, Q65R, Q6R, Q75R.
Identifiers: ClinVar variation 1468460 (VCV001468460.9), dbSNP rs2149784534, ClinGen allele CA16021766.

ClinVar aggregate classification (germline): Uncertain significance. Review status: criteria provided, multiple submitters, no conflicts (2 of 4 stars). 2 submissions from 2 submitters: Uncertain significance (2). Last evaluated 2025-11-10.

Conditions:
Hereditary cancer-predisposing syndrome. Also called: Tumor predisposition; Hereditary Cancer Syndrome; Hereditary neoplastic syndrome; Neoplastic Syndromes, Hereditary. Identifiers: Orphanet 140162, MedGen C0027672, MeSH D009386, MONDO:0015356.
Familial adenomatous polyposis 1 (FAP1). Also called: FAMILIAL ADENOMATOUS POLYPOSIS 1, ATTENUATED; POLYPOSIS, ADENOMATOUS INTESTINAL. Identifiers: MedGen C2713442, MONDO:0021056, OMIM 175100. Disease mechanism: loss of function.

Submissions (2):

Labcorp Genetics (formerly Invitae), Labcorp
Classification: Uncertain significance for Familial adenomatous polyposis 1. Last evaluated: 2025-11-10. Review status: criteria provided, single submitter. Criteria: Invitae Variant Classification Sherloc (09022015). Collection method: clinical testing. Allele origin: germline.
Comment: This sequence change replaces glutamine, which is neutral and polar, with arginine, which is basic and polar, at codon 65 of the APC protein (p.Gln65Arg). This variant is not present in population databases (gnomAD no frequency). This variant has not been reported in the literature in individuals affected with APC-related conditions. ClinVar contains an entry for this variant (Variation ID: 1468460). Invitae Evidence Modeling of protein sequence and biophysical properties (such as structural, functional, and spatial information, amino acid conservation, physicochemical variation, residue mobility, and thermodynamic stability) indicates that this missense variant is not expected to disrupt APC protein function with a negative predictive value of 95%. In summary, the available evidence is currently insufficient to determine the role of this variant in disease. Therefore, it has been classified as a Variant of Uncertain Significance.

Ambry Genetics
Classification: Uncertain significance for Hereditary cancer-predisposing syndrome. Last evaluated: 2025-02-21. Review status: criteria provided, single submitter. Criteria: Ambry Variant Classification Scheme 2023. Collection method: clinical testing. Allele origin: germline.
Comment: The p.Q65R variant (also known as c.194A>G), located in coding exon 2 of the APC gene, results from an A to G substitution at nucleotide position 194. The glutamine at codon 65 is replaced by arginine, an amino acid with highly similar properties. This amino acid position is highly conserved in available vertebrate species. In addition, in silico predictors for this gene do not accurately predict pathogenicity. Missense alterations in APC are not a common cause of disease (Spier I et al. Genet Med. 2024 Feb;26(2):100992). Based on the available evidence, the clinical significance of this variant remains unclear.